The following is an entry in ClinVar:

NM_177438.3(DICER1):c.2577G>A (p.Arg859=)

Gene: DICER1 (dicer 1, ribonuclease III; minus strand). Cytogenetic location: 14q32.13.
Variant type: single nucleotide variant.
Coding change: c.2577G>A on transcript NM_177438.3 (MANE Select); coding-DNA position 2577, G replaced by A.
Protein change: p.Arg859=; no amino-acid change (arginine 859 retained).
Molecular consequence: synonymous variant.
Genome position (GRCh38, 1-based): chr14:95,107,953, C>T on the plus strand (G>A on the coding strand, the complement: DICER1 is on the minus strand). VCF-style: chr14-95107953-C-T. GRCh37 (hg19) VCF-style: chr14-95574290-C-T.
Other names: c.2577G>A, p.Arg859= (NM_001195573.1, NM_001271282.3, NM_001291628.2 and 1 more transcripts).
Identifiers: ClinVar variation 483426 (VCV000483426.16), dbSNP rs1010614154, ClinGen allele CA487844820.

ClinVar aggregate classification (germline): Benign/Likely benign. Review status: criteria provided, multiple submitters, no conflicts (2 of 4 stars). 3 submissions from 3 submitters: Benign (1); Likely benign (2). Last evaluated 2026-04-16.

Conditions:
DICER1-related tumor predisposition. Also called: DICER1-related pleuropulmonary blastoma cancer predisposition syndrome; DICER1 syndrome. Identifiers: Orphanet 284343, MedGen C3839822, MONDO:0100216.
Hereditary cancer-predisposing syndrome. Also called: Hereditary neoplastic syndrome; Neoplastic Syndromes, Hereditary; Hereditary Cancer Syndrome; Tumor predisposition. Identifiers: Orphanet 140162, MedGen C0027672, MeSH D009386, MONDO:0015356.

gnomAD v4.1: 1 of 1,613,922 alleles (0.000062%); highest among the groups gnomAD compares: Non-Finnish European, 0.000085%; no homozygotes.

Submissions (3):

Myriad Genetics, Inc.
Classification: Benign for DICER1-related tumor predisposition. Last evaluated: 2026-04-16. Review status: criteria provided, single submitter. Criteria: Myriad Autosomal Dominant, Autosomal Recessive and X-Linked Classification Criteria (2023). Collection method: clinical testing. Allele origin: unknown.
Comment: This variant is considered benign. This variant is a silent/synonymous amino acid change and it is not expected to impact splicing.

Labcorp Genetics (formerly Invitae), Labcorp
Classification: Likely benign for DICER1-related tumor predisposition. Last evaluated: 2023-05-30. Review status: criteria provided, single submitter. Criteria: Invitae Variant Classification Sherloc (09022015). Collection method: clinical testing. Allele origin: germline.

Ambry Genetics
Classification: Likely benign for Hereditary cancer-predisposing syndrome. Last evaluated: 2017-04-10. Review status: criteria provided, single submitter. Criteria: Ambry Variant Classification Scheme 2023. Collection method: clinical testing. Allele origin: germline.